The following is an entry in ClinVar:

NM_007194.4(CHEK2):c.488A>C (p.His163Pro)

Gene: CHEK2 (checkpoint kinase 2; minus strand). Cytogenetic location: 22q12.1.
Variant type: single nucleotide variant.
Coding change: c.488A>C on transcript NM_007194.4 (MANE Select); coding-DNA position 488, A replaced by C.
Protein change: p.His163Pro; replaces histidine 163 with proline.
Molecular consequence: missense variant. On other transcripts: 5 prime UTR variant (2), intron variant (1).
Genome position (GRCh38, 1-based): chr22:28,725,081, T>G on the plus strand (A>C on the coding strand, the complement: CHEK2 is on the minus strand). VCF-style: chr22-28725081-T-G. GRCh37 (hg19) VCF-style: chr22-29121069-T-G.
Other names: c.617A>C, p.His206Pro (NM_001005735.3, NM_001438294.1); c.-290A>C (NM_001257387.3); c.-176A>C (NM_001437942.1); c.581A>C, p.His194Pro (NM_001438293.1, NM_001438295.1); c.488A>C, p.His163Pro (NM_145862.3); c.445-158A>C (NM_001349956.3); short protein forms H206P, H163P, H194P.
Identifiers: ClinVar variation 2845399 (VCV002845399.3), dbSNP rs752304641, ClinGen allele CA411107549.

ClinVar aggregate classification (germline): Uncertain significance (1 of 4 stars; one submission).

Conditions:
Familial cancer of breast. Also called: hereditary breast carcinoma; BREAST CANCER, FAMILIAL; Hereditary breast cancer. Identifiers: Orphanet 227535, MedGen C0346153, MONDO:0016419, OMIM 114480. Disease mechanism: loss of function.

Submission:

Labcorp Genetics (formerly Invitae), Labcorp
Classification: Uncertain significance for Familial cancer of breast. Last evaluated: 2023-03-13. Review status: criteria provided, single submitter. Criteria: Invitae Variant Classification Sherloc (09022015). Collection method: clinical testing. Allele origin: germline.
Comment: In summary, the available evidence is currently insufficient to determine the role of this variant in disease. Therefore, it has been classified as a Variant of Uncertain Significance. An algorithm developed to predict the effect of missense changes on protein structure and function (PolyPhen-2) suggests that this variant is likely to be disruptive. This variant has not been reported in the literature in individuals affected with CHEK2-related conditions. This variant is not present in population databases (gnomAD no frequency). This sequence change replaces histidine, which is basic and polar, with proline, which is neutral and non-polar, at codon 163 of the CHEK2 protein (p.His163Pro).